The following is an entry in ClinVar:

NM_004370.6(COL12A1):c.3099T>G (p.His1033Gln)

Gene: COL12A1 (collagen type XII alpha 1 chain; minus strand). Cytogenetic location: 6q13.
Variant type: single nucleotide variant.
Coding change: c.3099T>G on transcript NM_004370.6 (MANE Select); coding-DNA position 3099, T replaced by G.
Protein change: p.His1033Gln; replaces histidine 1033 with glutamine.
Molecular consequence: missense variant. On other transcripts: intron variant (2).
Genome position (GRCh38, 1-based): chr6:75,156,408, A>C on the plus strand (T>G on the coding strand, the complement: COL12A1 is on the minus strand). VCF-style: chr6-75156408-A-C. GRCh37 (hg19) VCF-style: chr6-75866124-A-C.
Other names: c.3099T>G, p.His1033Gln (NM_001424113.1, NM_001424114.1); c.2826T>G, p.His942Gln (NM_001424115.1); c.74-3926T>G (NM_001424116.1, NM_080645.3); short protein forms H1033Q, H942Q.
Identifiers: ClinVar variation 3761575 (VCV003761575.3).

ClinVar aggregate classification (germline): Uncertain significance (1 of 4 stars; one submission).

Conditions:
Ullrich congenital muscular dystrophy 2 (UCMD2). Identifiers: Orphanet 75840, MedGen C4225314, MONDO:0014654, OMIM 616470.
Bethlem myopathy 2 (BTHLM2). Identifiers: Orphanet 536516, Orphanet 610, MedGen C4225313, MONDO:0034022, OMIM 616471.

Submissions (2):

Labcorp Genetics (formerly Invitae), Labcorp
Classification: Uncertain significance for Bethlem myopathy 2; Ullrich congenital muscular dystrophy 2. Last evaluated: 2025-06-04. Review status: criteria provided, single submitter. Criteria: Invitae Variant Classification Sherloc (09022015). Collection method: clinical testing. Allele origin: germline.
Comment: This sequence change replaces histidine, which is basic and polar, with glutamine, which is neutral and polar, at codon 1033 of the COL12A1 protein (p.His1033Gln). This variant is present in population databases (rs751065518, gnomAD 0.0009%). This variant has not been reported in the literature in individuals affected with COL12A1-related conditions. ClinVar contains an entry for this variant (Variation ID: 3761575). Invitae Evidence Modeling of protein sequence and biophysical properties (such as structural, functional, and spatial information, amino acid conservation, physicochemical variation, residue mobility, and thermodynamic stability) indicates that this missense variant is not expected to disrupt COL12A1 protein function with a negative predictive value of 80%. In summary, the available evidence is currently insufficient to determine the role of this variant in disease. Therefore, it has been classified as a Variant of Uncertain Significance.

Dr. Peter K. Rogan Lab, Western University
No classification provided (evidence only). Condition: Colorectal cancer. Review status: no classification provided. Collection method: in vitro. Allele origin: not applicable. Functional consequence: retained intron. Not counted in ClinVar's aggregate classification.